The following is an entry in ClinVar:

NM_000095.3(COMP):c.1375T>C (p.Ser459Pro)

Gene: COMP (cartilage oligomeric matrix protein; minus strand). Cytogenetic location: 19p13.11.
Variant type: single nucleotide variant.
Coding change: c.1375T>C on transcript NM_000095.3 (MANE Select); coding-DNA position 1375, T replaced by C.
Protein change: p.Ser459Pro; replaces serine 459 with proline.
Molecular consequence: missense variant.
Genome position (GRCh38, 1-based): chr19:18,786,079, A>G on the plus strand (T>C on the coding strand, the complement: COMP is on the minus strand). VCF-style: chr19-18786079-A-G. GRCh37 (hg19) VCF-style: chr19-18896889-A-G.
Other names: short protein forms S459P.
Identifiers: ClinVar variation 3835523 (VCV003835523.2).

ClinVar aggregate classification (germline): Uncertain significance. Review status: criteria provided, multiple submitters, no conflicts (2 of 4 stars). 2 submissions from 2 submitters: Uncertain significance (2). Last evaluated 2025-04-17.

Conditions:
Inborn genetic diseases. Identifiers: MedGen C0950123, MeSH D030342.

Submissions (2):

Labcorp Genetics (formerly Invitae), Labcorp
Classification: Uncertain significance. Last evaluated: 2025-04-17. Review status: criteria provided, single submitter. Criteria: Invitae Variant Classification Sherloc (09022015). Collection method: clinical testing. Allele origin: germline.
Comment: This sequence change replaces serine, which is neutral and polar, with proline, which is neutral and non-polar, at codon 459 of the COMP protein (p.Ser459Pro). This variant is present in population databases (rs755277222, gnomAD 0.006%). This variant has not been reported in the literature in individuals affected with COMP-related conditions. Invitae Evidence Modeling of protein sequence and biophysical properties (such as structural, functional, and spatial information, amino acid conservation, physicochemical variation, residue mobility, and thermodynamic stability) indicates that this missense variant is not expected to disrupt COMP protein function with a negative predictive value of 80%. In summary, the available evidence is currently insufficient to determine the role of this variant in disease. Therefore, it has been classified as a Variant of Uncertain Significance.

Ambry Genetics
Classification: Uncertain significance for Inborn genetic diseases. Last evaluated: 2025-01-04. Review status: criteria provided, single submitter. Criteria: Ambry Variant Classification Scheme 2023. Collection method: clinical testing. Allele origin: germline.